The following is an entry in ClinVar:

ClinVar aggregate classification (germline): Uncertain significance (1 of 4 stars; one submission).

Allele frequency attached by ClinVar (database versions not stated): gnomAD exomes below 0.00001.

Submission:

Labcorp Genetics (formerly Invitae), Labcorp
Classification: Uncertain significance. Last evaluated: 2020-02-14. Review status: criteria provided, single submitter. Criteria: Invitae Variant Classification Sherloc (09022015). Collection method: clinical testing. Allele origin: germline.
Comment: This sequence change replaces valine with methionine at codon 140 of the ADAMTS18 protein (p.Val140Met). The valine residue is weakly conserved and there is a small physicochemical difference between valine and methionine. This variant is not present in population databases (ExAC no frequency). This variant has not been reported in the literature in individuals with ADAMTS18-related conditions. Algorithms developed to predict the effect of missense changes on protein structure and function are either unavailable or do not agree on the potential impact of this missense change (SIFT: "Not Available"; PolyPhen-2: "Benign"; Align-GVGD: "Not Available"). In summary, the available evidence is currently insufficient to determine the role of this variant in disease. Therefore, it has been classified as a Variant of Uncertain Significance.

NM_199355.4(ADAMTS18):c.418G>A (p.Val140Met)

Gene: ADAMTS18 (ADAM metallopeptidase with thrombospondin type 1 motif 18; minus strand). Cytogenetic location: 16q23.1.
Variant type: single nucleotide variant.
Coding change: c.418G>A on transcript NM_199355.4 (MANE Select); coding-DNA position 418, G replaced by A.
Protein change: p.Val140Met; replaces valine 140 with methionine.
Molecular consequence: missense variant. On other transcripts: 5 prime UTR variant (1).
Genome position (GRCh38, 1-based): chr16:77,431,372, C>T on the plus strand (G>A on the coding strand, the complement: ADAMTS18 is on the minus strand). VCF-style: chr16-77431372-C-T. GRCh37 (hg19) VCF-style: chr16-77465269-C-T.
Other names: c.-103G>A (NM_001326358.2); short protein forms V140M.
Identifiers: ClinVar variation 1057523 (VCV001057523.7), dbSNP rs2144867932, ClinGen allele CA396851148.
Genomic context (GRCh38, chr16:77,431,372, plus strand): 5'-ACACAGCGACAGAGGAGGAGCTGTCATTTCTGATAAATCCCTGATAGAAGCATTGCTGCA[C>T]CTCGGGTTTCTGAGTCTCTGAAGCACCATCTTTTCCAAGTACCTGGACAATAAAGTGACT-3'
Protein context (NP_955387.1, residues 130-150): DGASETQKPE[Val140Met]QQCFYQGFIR